The following is an entry in ClinVar:

ClinVar aggregate classification (germline): Pathogenic (3 of 4 stars; one submission).

Conditions:
Hereditary factor IX deficiency disease (HEMB). Also called: PLASMA THROMBOPLASTIN COMPONENT DEFICIENCY; Christmas Disease; Hemophilia B; F9 DEFICIENCY; FACTOR IX DEFICIENCY. Identifiers: Orphanet 98879, MedGen C0008533, MeSH D002836, MONDO:0010604, OMIM 306900.

Submission:

ClinGen Coagulation Factor Deficiency Variant Curation Expert Panel, Clingen
Classification: Pathogenic for Hereditary factor IX deficiency disease. Last evaluated: 2026-04-10. Review status: reviewed by expert panel. Criteria: ClinGen CoagFactor ACMG Specifications F9 V2.1.0. Collection method: curation. Allele origin: germline. Inheritance: X-linked inheritance.
Comment: The NM_000133.4(F9):c.198A>T; p.Glu66Asp variant is a missense variant in F9 that is absent from from gnomAD v4.1.0 (PM2_Supporting) and is predicted to have a deleterious effect (REVEL score of 0.908; PP3). The variant has been observed in at least eleven patients in the literature with moderate to severe hemophilia B, both with and without inhibitors (PMID:34880139, 11 points PS4, PS4_Very_Strong). In summary, this variant meets the criteria to be classified as pathogenic for hemophilia B. ACMG/AMP criteria applied, as specified by the Coagulation Factor Deficiency Variant Curation Expert Panel (specifications version 2.0.1) for F9: PS4_Very strong, PM2_Supporting, PP3.

NM_000133.4(F9):c.198A>T (p.Glu66Asp)

Gene: F9 (coagulation factor IX; plus strand). Cytogenetic location: Xq27.1.
Variant type: single nucleotide variant.
Coding change: c.198A>T on transcript NM_000133.4 (MANE Select); coding-DNA position 198, A replaced by T.
Protein change: p.Glu66Asp; replaces glutamic acid 66 with aspartic acid.
Molecular consequence: missense variant.
Genome position (GRCh38, 1-based): chrX:139,537,119, A>T. VCF-style: chrX-139537119-A-T. GRCh37 (hg19) VCF-style: chrX-138619278-A-T.
Other names: NM_001313913.2:c.198A>T; c.198A>T, p.Glu66Asp (NM_001313913.2); short protein forms E66D.
Identifiers: ClinVar variation 4849520 (VCV004849520.1).